The following is an entry in ClinVar:

NM_002528.7(NTHL1):c.329G>A (p.Cys110Tyr)

Gene: NTHL1 (nth like DNA glycosylase 1; minus strand). Cytogenetic location: 16p13.3.
Variant type: single nucleotide variant.
Coding change: c.329G>A on transcript NM_002528.7 (MANE Select); coding-DNA position 329, G replaced by A.
Protein change: p.Cys110Tyr; replaces cysteine 110 with tyrosine.
Molecular consequence: missense variant. On other transcripts: intron variant (1).
Genome position (GRCh38, 1-based): chr16:2,046,153, C>T on the plus strand (G>A on the coding strand, the complement: NTHL1 is on the minus strand). VCF-style: chr16-2046153-C-T. GRCh37 (hg19) VCF-style: chr16-2096154-C-T.
Other names: c.329G>A, p.Cys110Tyr (NM_001318193.2); c.24+127G>A (NM_001318194.2); short protein forms C110Y.
Identifiers: ClinVar variation 3663468 (VCV003663468.2).
Genomic context (GRCh38, chr16:2,046,153, plus strand): 5'-GGGGGGTCATCTGGGCAGATGGGGCCCCTGCCTACCTTTGGGGGGGCACTGGAGTCATAG[C>T]AGTGCTCAGTCCCCAGATGGTCCACAGGTGCATCCTTTTTGTTCCTCATGGCACGGATGT-3'
Protein context (NP_002519.2, residues 100-120): APVDHLGTEH[Cys110Tyr]YDSSAPPKVR

ClinVar aggregate classification (germline): Uncertain significance (1 of 4 stars; one submission).

Submission:

Labcorp Genetics (formerly Invitae), Labcorp
Classification: Uncertain significance. Last evaluated: 2024-08-27. Review status: criteria provided, single submitter. Criteria: Invitae Variant Classification Sherloc (09022015). Collection method: clinical testing. Allele origin: germline.
Comment: This sequence change replaces cysteine, which is neutral and slightly polar, with tyrosine, which is neutral and polar, at codon 118 of the NTHL1 protein (p.Cys118Tyr). This variant is not present in population databases (gnomAD no frequency). This variant has not been reported in the literature in individuals affected with NTHL1-related conditions. An algorithm developed to predict the effect of missense changes on protein structure and function (PolyPhen-2) suggests that this variant is likely to be disruptive. In summary, the available evidence is currently insufficient to determine the role of this variant in disease. Therefore, it has been classified as a Variant of Uncertain Significance.